The following is an entry in ClinVar:

ClinVar aggregate classification (germline): Uncertain significance. Review status: criteria provided, multiple submitters, no conflicts (2 of 4 stars). 2 submissions from 2 submitters: Uncertain significance (2). Last evaluated 2024-12-12.

Conditions:
Inborn genetic diseases. Identifiers: MedGen C0950123, MeSH D030342.
ETV6-related disorder. Also called: ETV6-related condition.

gnomAD v4.1: 1 of 1,613,670 alleles (0.000062%); no homozygotes.

Submissions (2):

Ambry Genetics
Classification: Uncertain significance for Inborn genetic diseases. Last evaluated: 2024-12-12. Review status: criteria provided, single submitter. Criteria: Ambry Variant Classification Scheme 2023. Collection method: clinical testing. Allele origin: germline.
Comment: The p.R105P variant (also known as c.314G>C), located in coding exon 3 of the ETV6 gene, results from a G to C substitution at nucleotide position 314. The arginine at codon 105 is replaced by proline, an amino acid with dissimilar properties. This amino acid position is highly conserved in available vertebrate species. In addition, this alteration is predicted to be deleterious by in silico analysis. Based on the available evidence, the clinical significance of this variant remains unclear.

PreventionGenetics, part of Exact Sciences
Classification: Uncertain significance for ETV6-related condition. Last evaluated: 2024-11-10. Review status: criteria provided, single submitter. Criteria: ACMG Guidelines, 2015. Collection method: clinical testing. Allele origin: germline.
Comment: The ETV6 c.314G>C variant is predicted to result in the amino acid substitution p.Arg105Pro. To our knowledge, this variant has not been reported in the literature or in a large population database (gnomAD), indicating this variant is rare. At this time, the clinical significance of this variant is uncertain due to the absence of conclusive functional and genetic evidence.

NM_001987.5(ETV6):c.314G>C (p.Arg105Pro)

Genes: ETV6 (ETS variant transcription factor 6; plus strand), LOC126861451 (BRD4-independent group 4 enhancer GRCh37_chr12:11991350-11992549; plus strand). Cytogenetic location: 12p13.2.
Variant type: single nucleotide variant.
Coding change: c.314G>C on transcript NM_001987.5 (MANE Select); coding-DNA position 314, G replaced by C.
Protein change: p.Arg105Pro; replaces arginine 105 with proline.
Molecular consequence: missense variant.
Genome position (GRCh38, 1-based): chr12:11,839,290, G>C. VCF-style: chr12-11839290-G-C. GRCh37 (hg19) VCF-style: chr12-11992224-G-C.
Other names: c.314G>C, p.Arg105Pro (NM_001413916.1, NM_001413917.1, NM_001413918.1); c.311G>C, p.Arg104Pro (NM_001413913.1); c.287G>C, p.Arg96Pro (NM_001413914.1); c.50G>C, p.Arg17Pro (NM_001413915.1); short protein forms R96P, R104P, R17P, R105P.
Identifiers: ClinVar variation 3846469 (VCV003846469.2).
Genomic context (GRCh38, chr12:11,839,290, plus strand): 5'-ACACGTTTGAAATGAATGGCAAAGCTCTCCTGCTGCTGACCAAAGAGGACTTTCGCTATC[G>C]ATCTCCTCATTCAGGTGAGAGTCTGGACTCTTGGCATATGCCCAACTTGGAAAGTCTCTT-3'
Protein context (NP_001978.1, residues 95-115): LLLTKEDFRY[Arg105Pro]SPHSGDVLYE